The following is an entry in ClinVar:

NM_023110.3(FGFR1):c.-89+1893T>C

Gene: FGFR1 (fibroblast growth factor receptor 1; minus strand). Cytogenetic location: 8p11.23.
Variant type: single nucleotide variant.
Coding change: c.-89+1893T>C on transcript NM_023110.3 (MANE Select); 1893 bases into the intron after 89 bases upstream of the start codon, T replaced by C.
Molecular consequence: intron variant.
Genome position (GRCh38, 1-based): chr8:38,466,088, A>G on the plus strand (T>C on the coding strand, the complement: FGFR1 is on the minus strand). VCF-style: chr8-38466088-A-G. GRCh37 (hg19) VCF-style: chr8-38323606-A-G.
Other names: c.-89+1893T>C (NM_001354368.2, NM_001354370.2, NM_023106.3 and 4 more transcripts); c.-181+1893T>C (NM_001174064.2); c.-89+1584T>C (NM_001174066.2, NM_001354369.2, NM_001410922.1 and 1 more transcripts); c.-150+1584T>C (NM_001174067.2).
Identifiers: ClinVar variation 2658560 (VCV002658560.24), dbSNP rs546544634, ClinGen allele CA175775493.

ClinVar aggregate classification (germline): Likely benign (1 of 4 stars; one submission).

Allele frequency attached by ClinVar (database versions not stated): 1000 Genomes Project 30x 0.00016; 1000 Genomes Project 0.00020; TOPMed 0.00068; gnomAD exomes 0.00097; gnomAD 0.00119.
gnomAD v4.1: 250 of 231,304 alleles (0.11%); highest among the groups gnomAD compares: Non-Finnish European, 0.19%; 1 homozygote.

Submission:

CeGaT Center for Human Genetics Tuebingen
Classification: Likely benign. Last evaluated: 2023-03-01. Review status: criteria provided, single submitter. Criteria: CeGaT Center For Human Genetics Tuebingen Variant Classification Criteria Version 2. Collection method: clinical testing. Allele origin: germline. Affected: yes. Observed: 5 variant alleles.
Comment: FGFR1: BS1